The following is an entry in ClinVar:

NM_001286577.2(C2CD3):c.181G>C (p.Val61Leu)

Gene: C2CD3 (C2 domain containing 3 centriole elongation regulator; minus strand). Cytogenetic location: 11q13.4.
Variant type: single nucleotide variant.
Coding change: c.181G>C on transcript NM_001286577.2 (MANE Select); coding-DNA position 181, G replaced by C.
Protein change: p.Val61Leu; replaces valine 61 with leucine.
Molecular consequence: missense variant.
Genome position (GRCh38, 1-based): chr11:74,168,488, C>G on the plus strand (G>C on the coding strand, the complement: C2CD3 is on the minus strand). VCF-style: chr11-74168488-C-G. GRCh37 (hg19) VCF-style: chr11-73879533-C-G.
Other names: c.181G>C, p.Val61Leu (NM_015531.6); short protein forms V61L.
Identifiers: ClinVar variation 2075939 (VCV002075939.2), dbSNP rs1856947628, ClinGen allele CA381825915.

ClinVar aggregate classification (germline): Uncertain significance (1 of 4 stars; one submission).

Allele frequency attached by ClinVar (database versions not stated): TOPMed below 0.00001.
gnomAD v4.1: 1 of 1,614,194 alleles (0.000062%); highest among the groups gnomAD compares: Middle Eastern, 0.016%; no homozygotes.

Submission:

Labcorp Genetics (formerly Invitae), Labcorp
Classification: Uncertain significance. Last evaluated: 2022-04-26. Review status: criteria provided, single submitter. Criteria: Invitae Variant Classification Sherloc (09022015). Collection method: clinical testing. Allele origin: germline.
Comment: This sequence change replaces valine, which is neutral and non-polar, with leucine, which is neutral and non-polar, at codon 61 of the C2CD3 protein (p.Val61Leu). This variant is not present in population databases (gnomAD no frequency). This variant has not been reported in the literature in individuals affected with C2CD3-related conditions. Algorithms developed to predict the effect of missense changes on protein structure and function are either unavailable or do not agree on the potential impact of this missense change (SIFT: "Deleterious"; PolyPhen-2: "Possibly Damaging"; Align-GVGD: "Class C0"). In summary, the available evidence is currently insufficient to determine the role of this variant in disease. Therefore, it has been classified as a Variant of Uncertain Significance.